The following is an entry in ClinVar:

ClinVar aggregate classification (germline): Pathogenic/Likely pathogenic. Review status: criteria provided, multiple submitters, no conflicts (2 of 4 stars). 2 submissions from 2 submitters: Pathogenic (1); Likely pathogenic (1). Last evaluated 2026-01-26.

Conditions:
Malan overgrowth syndrome (MALNS). Also called: Sotos syndrome 2; MALAN SYNDROME; NFIX-Related Malan Syndrome. Identifiers: Orphanet 420179, MedGen C3553660, MONDO:0013885, OMIM 614753.

Submissions (2):

Medical and Scientific Branch, Hong Kong Genome Institute
Classification: Pathogenic for Malan overgrowth syndrome. Last evaluated: 2026-01-26. Review status: criteria provided, single submitter. Criteria: ACMG Guidelines, 2015. Collection method: clinical testing. Allele origin: de novo. Affected: yes.

Division of Genetic & Genomic Pathology, Hong Kong Children's Hospital
Classification: Likely pathogenic for Malan overgrowth syndrome. Last evaluated: 2024-11-22. Review status: criteria provided, single submitter. Criteria: ACMG Guidelines, 2015. Collection method: clinical testing. Allele origin: germline. Affected: yes.
Comment: NFIX c.129_135dup is a 7-bp frameshift duplication variant located in exon 2 (out of 11 exons) of the gene. It is predicted to cause loss of protein function by nonsense-mediated mRNA decay, and NFIX is curated as a gene with sufficient evidence for haploinsufficiency in ClinGen (ClinGen Curation ID, CCID:007550). This variant is absent in population databases (gnomAD v2.1.1 and gnomAD v4.1.0). It has not been reported in ClinVar. For these reasons, this variant is classified as likely pathogenic.

NM_001365902.3(NFIX):c.129_135dup (p.Lys46delinsAlaTer)

Gene: NFIX (nuclear factor I X; plus strand). Cytogenetic location: 19p13.13.
Variant type: Duplication.
Coding change: c.129_135dup on transcript NM_001365902.3 (MANE Select); coding-DNA positions 129 to 135, 7 bases duplicated (GCATGAA; older notation c.129_135dupGCATGAA).
Protein change: p.Lys46delinsAlaTer.
Molecular consequence: nonsense. On other transcripts: 5 prime UTR variant (1).
Genome position (GRCh38, 1-based): chr19:13,025,122-13,025,128, GCATGAA duplicated; duplicating any 7 consecutive bases within chr19:13,025,119-13,025,128 gives the same sequence; the c. name uses the placement nearest the transcript's 3' end. VCF-style (leftmost placement, unchanged base first): chr19-13025118-A-AGAAGCAT. GRCh37 (hg19) VCF-style: chr19-13135932-A-AGAAGCAT.
Other names: c.153_159dup, p.Lys54delinsAlaTer (NM_001271043.2); c.105_111dup, p.Lys38delinsAlaTer (NM_001271044.3, NM_001378404.1, NM_001440616.1 and 1 more transcripts); c.129_135dup, p.Lys46delinsAlaTer (NM_001365982.2, NM_002501.4); c.-13_-7dup (NM_001365983.2); c.126_132dup, p.Lys45delinsAlaTer (NM_001365984.2, NM_001365985.2); c.177_183dup, p.Lys62delinsAlaTer (NM_001378405.1).
Identifiers: ClinVar variation 4755509 (VCV004755509.2).